The following is an entry in ClinVar:

ClinVar aggregate classification (germline): Uncertain significance (1 of 4 stars; one submission).

Conditions:
Hereditary pancreatitis (PCTT). Also called: Hereditary chronic pancreatitis; PRSS1-Related Hereditary Pancreatitis. Identifiers: Orphanet 676, MedGen C0238339, MONDO:0008185, OMIM 167800.

gnomAD v4.1: 1 of 1,613,954 alleles (0.000062%); highest among the groups gnomAD compares: East Asian, 0.0022%; no homozygotes.

Submission:

Ambry Genetics
Classification: Uncertain significance for Hereditary pancreatitis. Last evaluated: 2025-09-15. Review status: criteria provided, single submitter. Criteria: Ambry Variant Classification Scheme 2023. Collection method: clinical testing. Allele origin: germline.
Comment: The c.640-5T>C intronic variant results from a T to C substitution 5 nucleotides upstream from coding exon 7 in the CTRC gene. This nucleotide position is not well conserved in available vertebrate species. In silico splice site analysis predicts that this alteration will not have any significant effect on splicing. Based on the available evidence, the clinical significance of this variant remains unclear.

NM_007272.3(CTRC):c.640-5T>C

Gene: CTRC (chymotrypsin C; plus strand). Cytogenetic location: 1p36.21.
Variant type: single nucleotide variant.
Coding change: c.640-5T>C on transcript NM_007272.3 (MANE Select); 5 bases into the intron before coding-DNA position 640, T replaced by C.
Molecular consequence: intron variant.
Genome position (GRCh38, 1-based): chr1:15,445,592, T>C. VCF-style: chr1-15445592-T-C. GRCh37 (hg19) VCF-style: chr1-15772087-T-C.
Identifiers: ClinVar variation 4560060 (VCV004560060.1).